The following is an entry in ClinVar:

NM_012210.4(TRIM32):c.578G>A (p.Arg193His)

Genes: ASTN2 (astrotactin 2; minus strand), TRIM32 (tripartite motif containing 32; plus strand). Cytogenetic location: 9q33.1.
Variant type: single nucleotide variant.
Coding change: c.578G>A on transcript NM_012210.4 (MANE Select); coding-DNA position 578, G replaced by A.
Protein change: p.Arg193His; replaces arginine 193 with histidine.
Molecular consequence: missense variant. On other transcripts: intron variant (3).
Genome position (GRCh38, 1-based): chr9:116,698,320, G>A. VCF-style: chr9-116698320-G-A. GRCh37 (hg19) VCF-style: chr9-119460599-G-A.
Other names: c.578G>A, p.Arg193His (NM_001379048.1, NM_001379049.1, NM_001379050.1 and 1 more transcripts); c.2653+27451C>T (NM_014010.5); c.2794+27451C>T (NM_001365069.1); c.2806+27451C>T (NM_001365068.1); short protein forms R193H.
Identifiers: ClinVar variation 860718 (VCV000860718.45), dbSNP rs373853273, ClinGen allele CA5211007.

ClinVar aggregate classification (germline): Uncertain significance. Review status: criteria provided, multiple submitters, no conflicts (2 of 4 stars). 6 submissions from 6 submitters: Uncertain significance (6). Last evaluated 2025-04-18.

Conditions:
Bardet-Biedl syndrome (BBS). Identifiers: Orphanet 110, MedGen C0752166, MONDO:0015229.
TRIM32-related disorder. Also called: TRIM32-related condition.
Sarcotubular myopathy (LGMDR8). Also called: MUSCULAR DYSTROPHY, LIMB-GIRDLE, AUTOSOMAL RECESSIVE 8; Hutterite type of muscular dystrophy; Autosomal recessive limb-girdle muscular dystrophy type 2H; Limb-girdle muscular dystrophy, type 2H. Identifiers: Orphanet 1878, MedGen C0270968, MONDO:0009683, OMIM 254110.
Bardet-Biedl syndrome 11 (BBS11). Identifiers: Orphanet 110, MedGen C1859569, MONDO:0014439, OMIM 615988.
Inborn genetic diseases. Identifiers: MedGen C0950123, MeSH D030342.

Allele frequency attached by ClinVar (database versions not stated): ESP Exome Variant Server 0.00008; 1000 Genomes Project 30x 0.00016; TOPMed 0.00017; gnomAD 0.00019; 1000 Genomes Project 0.00020.
gnomAD v4.1: 65 of 1,614,142 alleles (0.004%); highest among the groups gnomAD compares: African/African-American, 0.045%; no homozygotes.

Submissions (6):

PreventionGenetics, part of Exact Sciences
Classification: Uncertain significance for TRIM32-related condition. Last evaluated: 2025-04-18. Review status: criteria provided, single submitter. Criteria: ACMG Guidelines, 2015. Collection method: clinical testing. Allele origin: germline.
Comment: The TRIM32 c.578G>A variant is predicted to result in the amino acid substitution p.Arg193His. To our knowledge, this variant has not been reported in the literature. This variant is reported in 0.048% of alleles in individuals of African descent in gnomAD. At this time, the clinical significance of this variant is uncertain due to the absence of conclusive functional and genetic evidence.

Labcorp Genetics (formerly Invitae), Labcorp
Classification: Uncertain significance for Bardet-Biedl syndrome. Last evaluated: 2024-11-04. Review status: criteria provided, single submitter. Criteria: Invitae Variant Classification Sherloc (09022015). Collection method: clinical testing. Allele origin: germline.
Comment: This sequence change replaces arginine, which is basic and polar, with histidine, which is basic and polar, at codon 193 of the TRIM32 protein (p.Arg193His). This variant is present in population databases (rs373853273, gnomAD 0.05%). This variant has not been reported in the literature in individuals affected with TRIM32-related conditions. ClinVar contains an entry for this variant (Variation ID: 860718). An algorithm developed to predict the effect of missense changes on protein structure and function (PolyPhen-2) suggests that this variant¬†is likely to be tolerated. In summary, the available evidence is currently insufficient to determine the role of this variant in disease. Therefore, it has been classified as a Variant of Uncertain Significance.

Ambry Genetics
Classification: Uncertain significance for Inborn genetic diseases. Last evaluated: 2024-05-20. Review status: criteria provided, single submitter. Criteria: Ambry Variant Classification Scheme 2023. Collection method: clinical testing. Allele origin: germline.

Fulgent Genetics
Classification: Uncertain significance for Sarcotubular myopathy; Bardet-Biedl syndrome 11. Last evaluated: 2022-04-14. Review status: criteria provided, single submitter. Criteria: ACMG Guidelines, 2015. Collection method: clinical testing. Allele origin: unknown.

Blueprint Genetics
Classification: Uncertain significance. Last evaluated: 2022-04-09. Review status: criteria provided, single submitter. Criteria: ACMG Guidelines, 2015. Collection method: clinical testing. Allele origin: germline.

CeGaT Center for Human Genetics Tuebingen
Classification: Uncertain significance. Last evaluated: 2021-04-01. Review status: criteria provided, single submitter. Criteria: CeGaT Center For Human Genetics Tuebingen Variant Classification Criteria Version 2. Collection method: clinical testing. Allele origin: germline. Affected: yes. Observed: 1 variant allele.